The following is an entry in ClinVar:

ClinVar aggregate classification (germline): Uncertain significance. Review status: criteria provided, multiple submitters, no conflicts (2 of 4 stars). 4 submissions from 4 submitters: Uncertain significance (4). Last evaluated 2025-09-22.

Conditions:
MYO18B-related disorder. Also called: MYO18B-related condition.

Allele frequency attached by ClinVar (database versions not stated): ExAC 0.00006; gnomAD 0.00017; 1000 Genomes Project 0.00020; TOPMed 0.00012; 1000 Genomes Project 30x 0.00016.

Submissions (4):

PreventionGenetics, part of Exact Sciences
Classification: Uncertain significance for MYO18B-related condition. Last evaluated: 2025-09-22. Review status: criteria provided, single submitter. Criteria: ACMG Guidelines, 2015. Collection method: clinical testing. Allele origin: germline.
Comment: The MYO18B c.649C>T variant is predicted to result in the amino acid substitution p.Arg217Trp. To our knowledge, this variant has not been reported in the literature. This variant is reported in 0.022% of alleles in individuals of African descent in gnomAD. At this time, the clinical significance of this variant is uncertain due to the absence of conclusive functional and genetic evidence.

Labcorp Genetics (formerly Invitae), Labcorp
Classification: Uncertain significance. Last evaluated: 2024-03-27. Review status: criteria provided, single submitter. Criteria: Invitae Variant Classification Sherloc (09022015). Collection method: clinical testing. Allele origin: germline.
Comment: This sequence change replaces arginine, which is basic and polar, with tryptophan, which is neutral and slightly polar, at codon 217 of the MYO18B protein (p.Arg217Trp). This variant is present in population databases (rs180776748, gnomAD 0.03%). This variant has not been reported in the literature in individuals affected with MYO18B-related conditions. ClinVar contains an entry for this variant (Variation ID: 1706225). An algorithm developed to predict the effect of missense changes on protein structure and function (PolyPhen-2) suggests that this variant¬†is likely to be tolerated. In summary, the available evidence is currently insufficient to determine the role of this variant in disease. Therefore, it has been classified as a Variant of Uncertain Significance.

Blueprint Genetics
Classification: Uncertain significance. Last evaluated: 2022-04-27. Review status: criteria provided, single submitter. Criteria: ACMG Guidelines, 2015. Collection method: clinical testing. Allele origin: germline.

GeneDx
Classification: Uncertain significance. Last evaluated: 2022-03-17. Review status: criteria provided, single submitter. Criteria: GeneDx Variant Classification Process June 2021. Collection method: clinical testing. Allele origin: germline. Affected: yes.
Comment: Identified in a patient in published literature (Stranneheim et al., 2021) but additional evidence is not available; In silico analysis supports that this missense variant does not alter protein structure/function; This variant is associated with the following publications: (PMID: 33726816)

NM_032608.7(MYO18B):c.649C>T (p.Arg217Trp)

Gene: MYO18B (myosin XVIIIB; plus strand). Cytogenetic location: 22q12.1.
Variant type: single nucleotide variant.
Coding change: c.649C>T on transcript NM_032608.7 (MANE Select); coding-DNA position 649, C replaced by T.
Protein change: p.Arg217Trp; replaces arginine 217 with tryptophan.
Molecular consequence: missense variant.
Genome position (GRCh38, 1-based): chr22:25,768,565, C>T. VCF-style: chr22-25768565-C-T. GRCh37 (hg19) VCF-style: chr22-26164532-C-T.
Other names: c.649C>T (NM_032608.6); c.649C>T, p.Arg217Trp (NM_001318245.2); short protein forms R217W.
Identifiers: ClinVar variation 1706225 (VCV001706225.6), dbSNP rs180776748, ClinGen allele CA10159662.